The following is an entry in ClinVar:

NM_000443.4(ABCB4):c.3143del (p.Asn1048fs)

Gene: ABCB4 (ATP binding cassette subfamily B member 4; minus strand). Cytogenetic location: 7q21.12.
Variant type: Deletion.
Coding change: c.3143del on transcript NM_000443.4 (MANE Select); coding-DNA position 3143, one base deleted (A; older notation c.3143delA).
Protein change: p.Asn1048fs; shifts the reading frame from asparagine 1048.
Molecular consequence: frameshift variant.
Genome position (GRCh38, 1-based): chr7:87,408,173, T deleted on the plus strand (A on the coding strand, the reverse complement: ABCB4 is on the minus strand); the first of 3 consecutive T bases (chr7:87,408,173-87,408,175); deleting any one gives the same sequence. VCF-style (leftmost placement, unchanged base first): chr7-87408172-GT-G. GRCh37 (hg19) VCF-style: chr7-87037488-GT-G.
Other names: c.3143del, p.Asn1048fs (NM_018849.3); c.3002del, p.Asn1001fs (NM_018850.3); short protein forms N1001fs, N1048fs.
Identifiers: ClinVar variation 4846563 (VCV004846563.1).

ClinVar aggregate classification (germline): Pathogenic (1 of 4 stars; one submission).

Conditions:
Familial intrahepatic cholestasis. Identifiers: Orphanet 284385, MedGen CN296401, MONDO:0017290.

Submission:

Genomenon, Inc
Classification: Pathogenic for Familial intrahepatic cholestasis. Last evaluated: 2026-04-14. Review status: criteria provided, single submitter. Criteria: Genomenon Sequence Variant Interpretation Standards - Updated. Collection method: curation. Allele origin: germline. Affected: yes.
Comment: ABCB4 p.Asn1048ThrfsTer8 (c.3143del) is a frameshift variant that results in the production of a truncated protein which is predicted to undergo nonsense-mediated mRNA decay. This variant has been observed in at least one proband with an ABCB4-related disorder (PMID:33215027). It is absent or not present at a significant frequency in gnomAD. In conclusion, we classify ABCB4 p.Asn1048ThrfsTer8 (c.3143del) as a pathogenic variant.

Literature cited by the submitters: PubMed 33215027.